The following is an entry in ClinVar:

NM_001367561.1(DOCK7):c.2199+4A>G

Gene: DOCK7 (dedicator of cytokinesis 7; minus strand). Cytogenetic location: 1p31.3.
Variant type: single nucleotide variant.
Coding change: c.2199+4A>G on transcript NM_001367561.1 (MANE Select); 4 bases into the intron after coding-DNA position 2199, A replaced by G.
Molecular consequence: intron variant.
Genome position (GRCh38, 1-based): chr1:62,561,613, T>C on the plus strand (A>G on the coding strand, the complement: DOCK7 is on the minus strand). VCF-style: chr1-62561613-T-C. GRCh37 (hg19) VCF-style: chr1-63027284-T-C.
Other names: c.2199+4A>G (NM_001272001.2, NM_001272000.2, NM_033407.4 and 2 more transcripts).
Identifiers: ClinVar variation 2174744 (VCV002174744.2), dbSNP rs779358603, ClinGen allele CA886339.

ClinVar aggregate classification (germline): Uncertain significance (1 of 4 stars; one submission).

Conditions:
Developmental and epileptic encephalopathy, 23 (DEE23). Also called: Epileptic encephalopathy, early infantile, 23. Identifiers: Orphanet 411986, MedGen C4014492, MONDO:0014371, OMIM 615859.

Allele frequency attached by ClinVar (database versions not stated): gnomAD exomes below 0.00001; TOPMed below 0.00001; ExAC 0.00001; gnomAD 0.00001.

Submission:

Labcorp Genetics (formerly Invitae), Labcorp
Classification: Uncertain significance for Developmental and epileptic encephalopathy, 23. Last evaluated: 2026-01-06. Review status: criteria provided, single submitter. Criteria: Invitae Variant Classification Sherloc (09022015). Collection method: clinical testing. Allele origin: germline.
Comment: This sequence change falls in intron 19 of the DOCK7 gene. It does not directly change the encoded amino acid sequence of the DOCK7 protein. It affects a nucleotide within the consensus splice site. This variant is present in population databases (rs779358603, gnomAD 0.006%). This variant has not been reported in the literature in individuals affected with DOCK7-related conditions. ClinVar contains an entry for this variant (Variation ID: 2174744). Variants that disrupt the consensus splice site are a relatively common cause of aberrant splicing (PMID: 17576681, 9536098). Algorithms developed to predict the effect of sequence changes on RNA splicing suggest that this variant may disrupt the consensus splice site. In summary, the available evidence is currently insufficient to determine the role of this variant in disease. Therefore, it has been classified as a Variant of Uncertain Significance.

Literature cited by the submitters: PubMed 17576681; PubMed 9536098.